The following is an entry in ClinVar:

NM_016169.4(SUFU):c.1299T>C (p.Ile433=)

Gene: SUFU (SUFU negative regulator of hedgehog signaling; plus strand). Cytogenetic location: 10q24.32.
Variant type: single nucleotide variant.
Coding change: c.1299T>C on transcript NM_016169.4 (MANE Select); coding-DNA position 1299, T replaced by C.
Protein change: p.Ile433=; no amino-acid change (isoleucine 433 retained).
Molecular consequence: synonymous variant.
Genome position (GRCh38, 1-based): chr10:102,627,177, T>C. VCF-style: chr10-102627177-T-C. GRCh37 (hg19) VCF-style: chr10-104386934-T-C.
Other names: p.Ile433=.
Identifiers: ClinVar variation 260687 (VCV000260687.25), dbSNP rs17114803, ClinGen allele CA5667975.

ClinVar aggregate classification (germline): Benign/Likely benign. Review status: criteria provided, multiple submitters, no conflicts (2 of 4 stars). 11 submissions from 11 submitters: Benign (10); Likely benign (1). Last evaluated 2026-02-04.

Conditions:
Gorlin syndrome. Also called: Nevoid Basal Cell Carcinoma Syndrome; Basal cell nevus syndrome. Identifiers: Orphanet 377, MedGen C0004779, MONDO:0007187.
Medulloblastoma (MDB). Also called: MEDULLOBLASTOMA PREDISPOSITION SYNDROME; Medulloblastoma, somatic. Identifiers: Orphanet 616, MedGen C0025149, MeSH D008527, MONDO:0007959, OMIM 155255, HP:0002885.
Familial meningioma. Also called: Meningioma, familial, susceptibility to. Identifiers: Orphanet 263662, MedGen C3551915, MONDO:0011789, OMIM 607174.
Hereditary cancer-predisposing syndrome. Also called: Tumor predisposition; Hereditary neoplastic syndrome; Hereditary Cancer Syndrome; Neoplastic Syndromes, Hereditary. Identifiers: Orphanet 140162, MedGen C0027672, MeSH D009386, MONDO:0015356.

Allele frequency attached by ClinVar (database versions not stated): gnomAD exomes 0.11005 and 0.16022; ESP Exome Variant Server 0.12848; gnomAD 0.14628 and 0.15159; ExAC 0.15868; TOPMed 0.16634; 1000 Genomes Project 30x 0.24313; 1000 Genomes Project 0.24601.
gnomAD v4.1: 184,674 of 1,613,514 alleles (11%); highest among the groups gnomAD compares: East Asian, 44%; 15,918 homozygotes.

Submissions (11):

Labcorp Genetics (formerly Invitae), Labcorp
Classification: Benign for Gorlin syndrome; Medulloblastoma. Last evaluated: 2026-02-04. Review status: criteria provided, single submitter. Criteria: Invitae Variant Classification Sherloc (09022015). Collection method: clinical testing. Allele origin: germline.

Hereditary Cancer Laboratory, Hospital Universitario 12 de Octubre
Classification: Benign for Hereditary cancer-predisposing syndrome. Last evaluated: 2024-12-19. Review status: criteria provided, single submitter. Criteria: ACMG Guidelines, 2015. Collection method: clinical testing. Allele origin: germline.
Comment: BA1

Blueprint Genetics
Classification: Likely benign. Last evaluated: 2024-11-27. Review status: criteria provided, single submitter. Criteria: ACMG Guidelines, 2015. Collection method: clinical testing. Allele origin: germline.

KCCC/NGS Laboratory, Kuwait Cancer Control Center
Classification: Benign for Familial meningioma. Last evaluated: 2023-07-07. Review status: criteria provided, single submitter. Criteria: ACMG Guidelines, 2015. Collection method: clinical testing. Allele origin: germline. Affected: yes.

Mayo Clinic Laboratories, Mayo Clinic
Classification: Benign. Last evaluated: 2021-04-25. Review status: criteria provided, single submitter. Criteria: ACMG Guidelines, 2015. Collection method: clinical testing. Allele origin: germline. Observed: 65 variant alleles.

Illumina Laboratory Services, Illumina
Classification: Benign for Medulloblastoma. Last evaluated: 2018-01-13. Review status: criteria provided, single submitter. Criteria: ICSL Variant Classification Criteria 13 December 2019. Collection method: clinical testing. Allele origin: germline.
Comment: This variant was observed in the ICSL laboratory as part of a predisposition screen in an ostensibly healthy population. It had not been previously curated by ICSL or reported in the Human Gene Mutation Database (HGMD: prior to June 1st, 2018), and was therefore a candidate for classification through an automated scoring system. Utilizing variant allele frequency, disease prevalence and penetrance estimates, and inheritance mode, an automated score was calculated to assess if this variant is too frequent to cause the disease. Based on the score and internal cut-off values, a variant classified as benign is not then subjected to further curation. The score for this variant resulted in a classification of benign for this disease.

Ambry Genetics
Classification: Benign for Hereditary cancer-predisposing syndrome. Last evaluated: 2016-12-09. Review status: criteria provided, single submitter. Criteria: Ambry Variant Classification Scheme 2023. Collection method: clinical testing. Allele origin: germline.

Women's Health and Genetics/Laboratory Corporation of America, LabCorp
Classification: Benign. Last evaluated: 2016-08-31. Review status: criteria provided, single submitter. Criteria: LabCorp Variant Classification Summary - May 2015. Collection method: clinical testing. Allele origin: germline.
Comment: Variant summary: The SUFU c.1299T>C (p.Ile433Ile) variant involves the alteration of a non-conserved nucleotide, resulting in a synonymous change. One in silico tool predicts a polymorphism outcome for this variant. 5/5 splice prediction tools predict no significant impact on normal splicing. ESE finder predicts that this variant may affect ESE site of SC35. However, these predictions have yet to be confirmed by functional studies. This variant was found in 19257/121358 control chromosomes (2233 homozygotes) at a frequency of 0.1586793, which is significantly higher than the estimated maximal expected allele frequency of a pathogenic SUFU variant (0.000001), suggesting this variant is likely a benign polymorphism. Taken together, this variant is classified as benign.

GeneDx
Classification: Benign. Last evaluated: 2015-03-03. Review status: criteria provided, single submitter. Criteria: GeneDx Variant Classification Process June 2021. Collection method: clinical testing. Allele origin: germline. Affected: yes.

Breakthrough Genomics
Classification: Benign. Review status: criteria provided, single submitter. Criteria: ACMG Guidelines, 2015. Collection method: not provided. Allele origin: germline. Inheritance: Autosomal recessive inheritance. Affected: yes.

PreventionGenetics, part of Exact Sciences
Classification: Benign. Review status: criteria provided, single submitter. Criteria: ACMG Guidelines, 2015. Collection method: clinical testing. Allele origin: germline.